The following is an entry in ClinVar:

ClinVar aggregate classification (germline): Pathogenic/Likely pathogenic. Review status: criteria provided, multiple submitters, no conflicts (2 of 4 stars). 3 submissions from 3 submitters: Pathogenic (1); Likely pathogenic (1). 1 of the submissions does not count toward it. Last evaluated 2022-05-17.

Conditions:
Methylmalonic aciduria due to methylmalonyl-CoA mutase deficiency (MAMM). Also called: Methylmalonic aciduria, mut type. Identifiers: Orphanet 27, MedGen C1855114, MONDO:0009612, OMIM 251000.
Methylmalonic acidemia (MMA). Also called: Isolated Methylmalonic Acidemia. Identifiers: MedGen C0268583, MeSH C537358, MONDO:0002012, HP:0002912.

Submissions (3):

Labcorp Genetics (formerly Invitae), Labcorp
Classification: Pathogenic. Last evaluated: 2022-05-17. Review status: criteria provided, single submitter. Criteria: Invitae Variant Classification Sherloc (09022015). Collection method: clinical testing. Allele origin: germline.
Comment: This variant is not present in population databases (gnomAD no frequency). For these reasons, this variant has been classified as Pathogenic. ClinVar contains an entry for this variant (Variation ID: 556782). This premature translational stop signal has been observed in individual(s) with methylmalonic acidemia (PMID: 16281286). This sequence change creates a premature translational stop signal (p.Pro649Leufs*23) in the MUT gene. It is expected to result in an absent or disrupted protein product. Loss-of-function variants in MUT are known to be pathogenic (PMID: 15781192).

Women's Health and Genetics/Laboratory Corporation of America, LabCorp
Classification: Likely pathogenic for Methylmalonic acidemia. Last evaluated: 2020-05-07. Review status: criteria provided, single submitter. Criteria: LabCorp Variant Classification Summary - May 2015. Collection method: clinical testing. Allele origin: germline.
Comment: Variant summary: MUT c.1946delC (p.Pro649LeufsX23) results in a premature termination codon, predicted to cause a truncation of the encoded protein or absence of the protein due to nonsense mediated decay, which are commonly known mechanisms for disease. Truncations downstream of this position have been classified as pathogenic by our laboratory. The variant was absent in 251376 control chromosomes. c.1946delC has been reported in the literature in at least one individual affected with Methylmalonic Acidemia (e.g. Worgan_2006). These data do not allow any conclusion about variant significance. To our knowledge, no experimental evidence demonstrating an impact on protein function has been reported. One clinical diagnostic laboratory has submitted clinical-significance assessments for this variant to ClinVar after 2014 without evidence for independent evaluation and cited the variant as likely pathogenic. Based on the evidence outlined above, the variant was classified as likely pathogenic.

Counsyl
Classification: Likely pathogenic for Methylmalonic aciduria due to methylmalonyl-CoA mutase deficiency. Last evaluated: 2018-02-20. Review status: no assertion criteria provided. Collection method: clinical testing. Allele origin: unknown. Not counted in ClinVar's aggregate classification.

Literature cited by the submitters: PubMed 16281286 (cited by 3 submitters); PubMed 15781192 (cited by Labcorp Genetics (formerly Invitae), Labcorp); PubMed 27233228 (cited by Women's Health and Genetics/Laboratory Corporation of America, LabCorp); PubMed 21114891 (cited by Women's Health and Genetics/Laboratory Corporation of America, LabCorp).

NM_000255.4(MMUT):c.1946del (p.Pro649fs)

Gene: MMUT (methylmalonyl-CoA mutase; minus strand). Cytogenetic location: 6p12.3.
Variant type: Deletion.
Coding change: c.1946del on transcript NM_000255.4 (MANE Select); coding-DNA position 1946, one base deleted (C; older notation c.1946delC).
Protein change: p.Pro649fs; shifts the reading frame from proline 649.
Molecular consequence: frameshift variant.
Genome position (GRCh38, 1-based): chr6:49,440,216, G deleted on the plus strand (C on the coding strand, the reverse complement: MMUT is on the minus strand); the first of 3 consecutive G bases (chr6:49,440,216-49,440,218); deleting any one gives the same sequence. VCF-style (leftmost placement, unchanged base first): chr6-49440215-AG-A. GRCh37 (hg19) VCF-style: chr6-49407928-AG-A.
Other names: short protein forms P649fs.
Identifiers: ClinVar variation 556782 (VCV000556782.12), dbSNP rs1554158754, ClinGen allele CA658821516.